The following is an entry in ClinVar:

NM_000078.3(CETP):c.1193T>C (p.Phe398Ser)

Gene: CETP (cholesteryl ester transfer protein; plus strand). Cytogenetic location: 16q13.
Variant type: single nucleotide variant.
Coding change: c.1193T>C on transcript NM_000078.3 (MANE Select); coding-DNA position 1193, T replaced by C.
Protein change: p.Phe398Ser; replaces phenylalanine 398 with serine.
Molecular consequence: missense variant.
Genome position (GRCh38, 1-based): chr16:56,981,204, T>C. VCF-style: chr16-56981204-T-C. GRCh37 (hg19) VCF-style: chr16-57015116-T-C.
Other names: c.1013T>C, p.Phe338Ser (NM_001286085.2); short protein forms F338S, F398S.
Identifiers: ClinVar variation 2316726 (VCV002316726.3), dbSNP rs767292555, ClinGen allele CA8071266.

ClinVar aggregate classification (germline): Uncertain significance. Review status: criteria provided, multiple submitters, no conflicts (2 of 4 stars). 2 submissions from 2 submitters: Uncertain significance (2). Last evaluated 2025-05-05.

Allele frequency attached by ClinVar (database versions not stated): gnomAD exomes below 0.00001; ExAC 0.00001; TOPMed 0.00001.
gnomAD v4.1: 1 of 1,613,770 alleles (0.000062%); highest among the groups gnomAD compares: East Asian, 0.0022%; no homozygotes.

Submissions (2):

Labcorp Genetics (formerly Invitae), Labcorp
Classification: Uncertain significance. Last evaluated: 2025-05-05. Review status: criteria provided, single submitter. Criteria: Invitae Variant Classification Sherloc (09022015). Collection method: clinical testing. Allele origin: germline.
Comment: This sequence change replaces phenylalanine, which is neutral and non-polar, with serine, which is neutral and polar, at codon 398 of the CETP protein (p.Phe398Ser). This variant is present in population databases (rs767292555, gnomAD 0.006%). This variant has not been reported in the literature in individuals affected with CETP-related conditions. ClinVar contains an entry for this variant (Variation ID: 2316726). Invitae Evidence Modeling of protein sequence and biophysical properties (such as structural, functional, and spatial information, amino acid conservation, physicochemical variation, residue mobility, and thermodynamic stability) indicates that this missense variant is not expected to disrupt CETP protein function with a negative predictive value of 80%. In summary, the available evidence is currently insufficient to determine the role of this variant in disease. Therefore, it has been classified as a Variant of Uncertain Significance.

Ambry Genetics
Classification: Uncertain significance. Last evaluated: 2022-10-04. Review status: criteria provided, single submitter. Criteria: Ambry Variant Classification Scheme 2023. Collection method: clinical testing. Allele origin: germline.
Comment: Does not currently meet published gene-disease clinical validity criteria Based on insufficient or conflicting evidence, the clinical significance of this alteration remains unclear.

Literature cited by the submitters: PubMed 28106320 (cited by Ambry Genetics).